The following is an entry in ClinVar:

NM_000038.6(APC):c.1266G>C (p.Glu422Asp)

Gene: APC (APC regulator of Wnt signaling pathway; plus strand). Cytogenetic location: 5q22.2.
Variant type: single nucleotide variant.
Coding change: c.1266G>C on transcript NM_000038.6 (MANE Select); coding-DNA position 1266, G replaced by C.
Protein change: p.Glu422Asp; replaces glutamic acid 422 with aspartic acid.
Molecular consequence: missense variant.
Genome position (GRCh38, 1-based): chr5:112,819,298, G>C. VCF-style: chr5-112819298-G-C. GRCh37 (hg19) VCF-style: chr5-112154995-G-C.
Other names: c.1266G>C, p.Glu422Asp (NM_001127510.3, NM_001354895.2, NM_001354896.2); c.1212G>C, p.Glu404Asp (NM_001127511.3); c.1296G>C, p.Glu432Asp (NM_001354897.2); c.1191G>C, p.Glu397Asp (NM_001354898.2); c.1182G>C, p.Glu394Asp (NM_001354899.2); c.1089G>C, p.Glu363Asp (NM_001354900.2, NM_001354901.2); c.993G>C, p.Glu331Asp (NM_001354902.2); c.963G>C, p.Glu321Asp (NM_001354903.2); and 3 more; short protein forms E139D, E321D, E331D, E363D, E394D, E397D, E262D, E422D.
Identifiers: ClinVar variation 802135 (VCV000802135.4), dbSNP rs1004279154, ClinGen allele CA16024074.

ClinVar aggregate classification (germline): Uncertain significance. Review status: criteria provided, multiple submitters, no conflicts (2 of 4 stars). 2 submissions from 2 submitters: Uncertain significance (2). Last evaluated 2025-09-02.

Conditions:
Familial adenomatous polyposis 1 (FAP1). Also called: POLYPOSIS, ADENOMATOUS INTESTINAL; FAMILIAL ADENOMATOUS POLYPOSIS 1, ATTENUATED. Identifiers: MedGen C2713442, MONDO:0021056, OMIM 175100. Disease mechanism: loss of function.

Submissions (2):

Labcorp Genetics (formerly Invitae), Labcorp
Classification: Uncertain significance for Familial adenomatous polyposis 1. Last evaluated: 2025-09-02. Review status: criteria provided, single submitter. Criteria: Invitae Variant Classification Sherloc (09022015). Collection method: clinical testing. Allele origin: germline.
Comment: This sequence change replaces glutamic acid, which is acidic and polar, with aspartic acid, which is acidic and polar, at codon 422 of the APC protein (p.Glu422Asp). This variant is not present in population databases (gnomAD no frequency). This variant has not been reported in the literature in individuals affected with APC-related conditions. ClinVar contains an entry for this variant (Variation ID: 802135). Invitae Evidence Modeling of protein sequence and biophysical properties (such as structural, functional, and spatial information, amino acid conservation, physicochemical variation, residue mobility, and thermodynamic stability) indicates that this missense variant is not expected to disrupt APC protein function with a negative predictive value of 95%. In summary, the available evidence is currently insufficient to determine the role of this variant in disease. Therefore, it has been classified as a Variant of Uncertain Significance.

Mendelics
Classification: Uncertain significance for Familial adenomatous polyposis 1. Last evaluated: 2019-05-28. Review status: criteria provided, single submitter. Criteria: Mendelics Assertion Criteria 2017. Collection method: clinical testing. Allele origin: unknown.